The following is an entry in ClinVar:

NM_001130438.3(SPTAN1):c.2942A>G (p.Lys981Arg)

Gene: SPTAN1 (spectrin alpha, non-erythrocytic 1; plus strand). Cytogenetic location: 9q34.11.
Variant type: single nucleotide variant.
Coding change: c.2942A>G on transcript NM_001130438.3 (MANE Select); coding-DNA position 2942, A replaced by G.
Protein change: p.Lys981Arg; replaces lysine 981 with arginine.
Molecular consequence: missense variant.
Genome position (GRCh38, 1-based): chr9:128,588,879, A>G. VCF-style: chr9-128588879-A-G. GRCh37 (hg19) VCF-style: chr9-131351158-A-G.
Other names: c.2942A>G, p.Lys981Arg (NM_001195532.2, NM_001363759.2, NM_001363765.2 and 5 more transcripts); c.2978A>G, p.Lys993Arg (NM_001375312.2, NM_001375318.1); short protein forms K981R, K993R.
Identifiers: ClinVar variation 3635909 (VCV003635909.4).

ClinVar aggregate classification (germline): Uncertain significance. Review status: criteria provided, multiple submitters, no conflicts (2 of 4 stars). 2 submissions from 2 submitters: Uncertain significance (2). Last evaluated 2026-03-27.

Conditions:
Early-infantile DEE. Also called: Early infantile epileptic encephalopathy; Ohtahara syndrome; Early infantile epileptic encephalopathy with suppression bursts. Identifiers: Orphanet 1934, MedGen C0393706, MONDO:0800491.

Submissions (2):

Dasa
Classification: Uncertain significance. Last evaluated: 2026-03-27. Review status: criteria provided, single submitter. Criteria: DASA Assertion Criteria. Collection method: clinical testing. Allele origin: germline.
Comment: NM_001130438.3(SPTAN1):c.2942A>G (p.Lys981Arg) is a missense variant that results in the substitution of lysine with arginine. This variant is rare in population databases. The currently available literature and clinical evidence are not sufficient to establish a definitive association between this variant and the reported condition. Therefore, this variant is classified as a variant of uncertain significance.

Labcorp Genetics (formerly Invitae), Labcorp
Classification: Uncertain significance for Early-infantile DEE. Last evaluated: 2024-11-13. Review status: criteria provided, single submitter. Criteria: Invitae Variant Classification Sherloc (09022015). Collection method: clinical testing. Allele origin: germline.
Comment: This sequence change replaces lysine, which is basic and polar, with arginine, which is basic and polar, at codon 981 of the SPTAN1 protein (p.Lys981Arg). This variant is not present in population databases (gnomAD no frequency). This variant has not been reported in the literature in individuals affected with SPTAN1-related conditions. Invitae Evidence Modeling of protein sequence and biophysical properties (such as structural, functional, and spatial information, amino acid conservation, physicochemical variation, residue mobility, and thermodynamic stability) has been performed for this missense variant. However, the output from this modeling did not meet the statistical confidence thresholds required to predict the impact of this variant on SPTAN1 protein function. In summary, the available evidence is currently insufficient to determine the role of this variant in disease. Therefore, it has been classified as a Variant of Uncertain Significance.